The following is an entry in ClinVar:

NM_002382.5(MAX):c.171G>A (p.Lys57=)

Genes: MAX (MYC associated transcriptional regulator X; minus strand), MAX-AS1 (MAX antisense RNA 1; plus strand). Cytogenetic location: 14q23.3.
Variant type: single nucleotide variant.
Coding change: c.171G>A on transcript NM_002382.5 (MANE Select); coding-DNA position 171, G replaced by A.
Protein change: p.Lys57=; no amino-acid change (lysine 57 retained).
Molecular consequence: synonymous variant. On other transcripts: non-coding transcript variant (12), 5 prime UTR variant (6), missense variant (1), intron variant (1).
Genome position (GRCh38, 1-based): chr14:65,093,708, C>T on the plus strand (G>A on the coding strand, the complement: MAX is on the minus strand). VCF-style: chr14-65093708-C-T. GRCh37 (hg19) VCF-style: chr14-65560426-C-T.
Other names: c.144G>A, p.Lys48= (NM_001271068.2, NM_001271069.2, NM_001407095.1 and 9 more transcripts); c.-104G>A (NM_001320415.2, NM_001407105.1, NM_001407106.1 and 1 more transcripts); c.171G>A, p.Lys57= (NM_001407094.1, NM_001407096.1, NM_001407097.1 and 5 more transcripts); c.-197G>A (NM_001407111.1, NM_001407112.1); c.194G>A, p.Ser65Asn (NM_001407114.1); c.63+7838G>A (NM_001407098.1); short protein forms S65N.
Identifiers: ClinVar variation 1059114 (VCV001059114.8), dbSNP rs2139882332, ClinGen allele CA486742584.

ClinVar aggregate classification (germline): Uncertain significance (1 of 4 stars; one submission).

Conditions:
Hereditary pheochromocytoma and paraganglioma. Also called: Hereditary paragangliomas and pheochromocytomas; Hereditary pheochromocytoma-paraganglioma; Hereditary Paraganglioma-Pheochromocytoma Syndromes. Identifiers: Orphanet 29072, MedGen C4274332, MONDO:0017366.

Submission:

Labcorp Genetics (formerly Invitae), Labcorp
Classification: Uncertain significance for Hereditary pheochromocytoma and paraganglioma. Last evaluated: 2025-06-11. Review status: criteria provided, single submitter. Criteria: Invitae Variant Classification Sherloc (09022015). Collection method: clinical testing. Allele origin: germline.
Comment: This sequence change affects codon 57 of the MAX mRNA. It is a 'silent' change, meaning that it does not change the encoded amino acid sequence of the MAX protein. This variant also falls at the last nucleotide of exon 3, which is part of the consensus splice site for this exon. This variant is not present in population databases (gnomAD no frequency). This variant has not been reported in the literature in individuals affected with MAX-related conditions. ClinVar contains an entry for this variant (Variation ID: 1059114). Variants that disrupt the consensus splice site are a relatively common cause of aberrant splicing (PMID: 17576681, 9536098). Algorithms developed to predict the effect of sequence changes on RNA splicing suggest that this variant is not likely to affect RNA splicing. In summary, the available evidence is currently insufficient to determine the role of this variant in disease. Therefore, it has been classified as a Variant of Uncertain Significance.

Literature cited by the submitters: PubMed 17576681; PubMed 9536098.